The following is an entry in ClinVar:

ClinVar aggregate classification (germline): Pathogenic (1 of 4 stars; one submission).

Conditions:
Fabry disease. Also called: ALPHA-GALACTOSIDASE A DEFICIENCY; ANDERSON-FABRY DISEASE; CERAMIDE TRIHEXOSIDASE DEFICIENCY; GLA DEFICIENCY; HEREDITARY DYSTOPIC LIPIDOSIS; Angiokeratoma corporis diffusum. Identifiers: Orphanet 324, MedGen C0002986, MONDO:0010526, OMIM 301500, HP:0001071. Disease mechanism: Fabry disease is due to inactivating mutations in the X-linked GLA gene resulting in deficiency of the enzyme Alpha Galactosidase-A., loss of function.

Submission:

Genomenon, Inc
Classification: Pathogenic for Fabry disease. Last evaluated: 2026-09-08. Review status: criteria provided, single submitter. Criteria: Genomenon Sequence Variant Interpretation Standards - Updated. Collection method: curation. Allele origin: germline. Affected: yes.
Comment: GLA p.Tyr86Ter (c.258T>G) is a nonsense variant that introduces a premature stop codon at amino acid position 86 and is predicted to result in a truncated or absent protein product. This variant has been observed in at least one proband with clinical features consistent with Fabry disease (PMID:11076046). At least one functional study has demonstrated a substantial alteration in protein function relative to the wild-type (PMID:19287194;20505683). It is absent or not present at a significant frequency in gnomAD. In conclusion, we classify GLA p.Tyr86Ter (c.258T>G) as a pathogenic variant.

Literature cited by the submitters: PubMed 11076046; PubMed 19287194; PubMed 20505683.

NM_000169.3(GLA):c.258T>G (p.Tyr86Ter)

Genes: GLA (galactosidase alpha; minus strand), RPL36A-HNRNPH2 (RPL36A-HNRNPH2 readthrough; plus strand). Cytogenetic location: Xq22.1.
Variant type: single nucleotide variant.
Coding change: c.258T>G on transcript NM_000169.3 (MANE Select); coding-DNA position 258, T replaced by G.
Protein change: p.Tyr86Ter; replaces tyrosine 86 with a stop codon.
Molecular consequence: nonsense. On other transcripts: non-coding transcript variant (3), intron variant (2).
Genome position (GRCh38, 1-based): chrX:101,403,922, A>C on the plus strand (T>G on the coding strand, the complement: GLA is on the minus strand). VCF-style: chrX-101403922-A-C. GRCh37 (hg19) VCF-style: chrX-100658910-A-C.
Other names: c.381T>G, p.Tyr127Ter (NM_001406747.1, NM_001406749.1); c.258T>G, p.Tyr86Ter (NM_001406748.1); c.301-8014A>C (NM_001199973.2); c.178-8014A>C (NM_001199974.2); short protein forms Y127*, Y86*.
Identifiers: ClinVar variation 4087145 (VCV004087145.2).